The following is an entry in ClinVar:

NM_000548.5(TSC2):c.3143G>A (p.Gly1048Asp)

Gene: TSC2 (TSC complex subunit 2; plus strand). Cytogenetic location: 16p13.3.
Variant type: single nucleotide variant.
Coding change: c.3143G>A on transcript NM_000548.5 (MANE Select); coding-DNA position 3143, G replaced by A.
Protein change: p.Gly1048Asp; replaces glycine 1048 with aspartic acid.
Molecular consequence: missense variant. On other transcripts: non-coding transcript variant (5).
Genome position (GRCh38, 1-based): chr16:2,079,287, G>A. VCF-style: chr16-2079287-G-A. GRCh37 (hg19) VCF-style: chr16-2129288-G-A.
Other names: c.3011G>A, p.Gly1004Asp (NM_001077183.3, NM_001370404.1, NM_001406665.1); c.3143G>A, p.Gly1048Asp (NM_001114382.3); c.2903G>A, p.Gly968Asp (NM_001318827.2); c.2867G>A, p.Gly956Asp (NM_001318829.2); c.2411G>A, p.Gly804Asp (NM_001318831.2, NM_001406687.1, NM_001406688.1); c.3044G>A, p.Gly1015Asp (NM_001318832.2); c.3014G>A, p.Gly1005Asp (NM_001363528.2, NM_001370405.1, NM_021055.3); c.3140G>A, p.Gly1047Asp (NM_001406663.1, NM_001406664.1); and 18 more; short protein forms G1000D, G1005D, G470D, G848D, G999D, G1011D, G1015D, G1034D.
Identifiers: ClinVar variation 2564646 (VCV002564646.2), dbSNP rs2151437111, ClinGen allele CA394285202.

ClinVar aggregate classification (germline): Uncertain significance (1 of 4 stars; one submission).

Conditions:
Hereditary cancer-predisposing syndrome. Also called: Neoplastic Syndromes, Hereditary; Hereditary Cancer Syndrome; Hereditary neoplastic syndrome; Tumor predisposition. Identifiers: Orphanet 140162, MedGen C0027672, MeSH D009386, MONDO:0015356.

Submission:

Ambry Genetics
Classification: Uncertain significance for Hereditary cancer-predisposing syndrome. Last evaluated: 2023-04-18. Review status: criteria provided, single submitter. Criteria: Ambry Variant Classification Scheme 2023. Collection method: clinical testing. Allele origin: germline.
Comment: The p.G1048D variant (also known as c.3143G>A), located in coding exon 27 of the TSC2 gene, results from a G to A substitution at nucleotide position 3143. The glycine at codon 1048 is replaced by aspartic acid, an amino acid with similar properties. This amino acid position is conserved. In addition, this alteration is predicted to be deleterious by in silico analysis. Since supporting evidence is limited at this time, the clinical significance of this alteration remains unclear.